The following is an entry in ClinVar:

ClinVar aggregate classification (germline): Uncertain significance (1 of 4 stars; one submission).

Submission:

GeneDx
Classification: Uncertain significance. Last evaluated: 2025-08-14. Review status: criteria provided, single submitter. Criteria: GeneDx Variant Classification Process June 2021. Collection method: clinical testing. Allele origin: germline. Affected: yes.
Comment: Not observed at significant frequency in large population cohorts (gnomAD); In silico analysis suggests that this missense variant does not alter protein structure/function; Has not been previously published as pathogenic or benign to our knowledge

NM_022114.4(PRDM16):c.1532C>A (p.Thr511Asn)

Gene: PRDM16 (PR/SET domain 16; plus strand). Cytogenetic location: 1p36.32.
Variant type: single nucleotide variant.
Coding change: c.1532C>A on transcript NM_022114.4 (MANE Select); coding-DNA position 1532, C replaced by A.
Protein change: p.Thr511Asn; replaces threonine 511 with asparagine.
Molecular consequence: missense variant.
Genome position (GRCh38, 1-based): chr1:3,411,729, C>A. VCF-style: chr1-3411729-C-A. GRCh37 (hg19) VCF-style: chr1-3328293-C-A.
Other names: c.1532C>A, p.Thr511Asn (NM_199454.3); short protein forms T511N.
Identifiers: ClinVar variation 4795776 (VCV004795776.1).